The following is an entry in ClinVar:

ClinVar aggregate classification (germline): Uncertain significance (1 of 4 stars; one submission).

Conditions:
Aicardi-Goutieres syndrome 7 (AGS7). Identifiers: Orphanet 51, MedGen C3888244, MONDO:0014367, OMIM 615846.
Singleton-Merten syndrome 1 (SGMRT1). Also called: Widened medullary cavities of bone, aortic calcification, abnormal dentition, and muscular weakness; Syndrome of widened medullary cavities of the metacarpals and phalanges, aortic calcification and abnormal dentition. Identifiers: Orphanet 85191, MedGen C4225427, MONDO:0024535, OMIM 182250.

Submission:

Labcorp Genetics (formerly Invitae), Labcorp
Classification: Uncertain significance for Aicardi-Goutieres syndrome 7; Singleton-Merten syndrome 1. Last evaluated: 2025-09-07. Review status: criteria provided, single submitter. Criteria: Invitae Variant Classification Sherloc (09022015). Collection method: clinical testing. Allele origin: germline.
Comment: This sequence change replaces isoleucine, which is neutral and non-polar, with valine, which is neutral and non-polar, at codon 1008 of the IFIH1 protein (p.Ile1008Val). This variant is not present in population databases (gnomAD no frequency). This variant has not been reported in the literature in individuals affected with IFIH1-related conditions. An algorithm developed to predict the effect of missense changes on protein structure and function outputs the following: PolyPhen-2: "Benign". The valine amino acid residue is found in multiple mammalian species, which suggests that this missense change does not adversely affect protein function. In summary, the available evidence is currently insufficient to determine the role of this variant in disease. Therefore, it has been classified as a Variant of Uncertain Significance.

NM_022168.4(IFIH1):c.3022A>G (p.Ile1008Val)

Gene: IFIH1 (interferon induced with helicase C domain 1; minus strand). Cytogenetic location: 2q24.2.
Variant type: single nucleotide variant.
Coding change: c.3022A>G on transcript NM_022168.4 (MANE Select); coding-DNA position 3022, A replaced by G.
Protein change: p.Ile1008Val; replaces isoleucine 1008 with valine.
Molecular consequence: missense variant.
Genome position (GRCh38, 1-based): chr2:162,267,256, T>C on the plus strand (A>G on the coding strand, the complement: IFIH1 is on the minus strand). VCF-style: chr2-162267256-T-C. GRCh37 (hg19) VCF-style: chr2-163123766-T-C.
Other names: short protein forms I1008V.
Identifiers: ClinVar variation 4793440 (VCV004793440.1).